The following is an entry in ClinVar:

ClinVar aggregate classification (germline): Likely benign (1 of 4 stars; one submission).

Conditions:
LRRC45-related disorder. Also called: LRRC45-related condition.

gnomAD v4.1: 24 of 1,549,990 alleles (0.0015%); highest among the groups gnomAD compares: Non-Finnish European, 0.0021%; no homozygotes.

Submission:

PreventionGenetics, part of Exact Sciences
Classification: Likely benign for LRRC45-related condition. Last evaluated: 2025-08-05. Review status: criteria provided, single submitter. Criteria: ACMG Guidelines, 2015. Collection method: clinical testing. Allele origin: germline.
Comment: This variant is classified as likely benign based on ACMG/AMP sequence variant interpretation guidelines (Richards et al. 2015 PMID: 25741868, with internal and published modifications).

NM_144999.4(LRRC45):c.1728G>T (p.Leu576=)

Gene: LRRC45 (leucine rich repeat containing 45; plus strand). Cytogenetic location: 17q25.3.
Variant type: single nucleotide variant.
Coding change: c.1728G>T on transcript NM_144999.4 (MANE Select); coding-DNA position 1728, G replaced by T.
Protein change: p.Leu576=; no amino-acid change (leucine 576 retained).
Molecular consequence: synonymous variant.
Genome position (GRCh38, 1-based): chr17:82,030,378, G>T. VCF-style: chr17-82030378-G-T. GRCh37 (hg19) VCF-style: chr17-79988254-G-T.
Identifiers: ClinVar variation 5000566 (VCV005000566.1).
Genomic context (GRCh38, chr17:82,030,378, plus strand): 5'-GGAGCTGAGCCTCAAGGACCAGGAAAGGGTGGCCGAGGTGAGCAGGGTGCGCGTGGAGCT[G>T]CAGGAGCAGAACGGCCGGCTGCAGGCGGAGCTGGCGGCTCAGGAGGCGCTGAGGGAGAAG-3'
Protein context (NP_659436.1, residues 566-586): VAEVSRVRVE[Leu576=]QEQNGRLQAE